The following is an entry in ClinVar:

ClinVar aggregate classification (germline): Uncertain significance. Review status: criteria provided, multiple submitters, no conflicts (2 of 4 stars). 2 submissions from 2 submitters: Uncertain significance (2). Last evaluated 2025-10-27.

Conditions:
Cardiovascular phenotype. Identifiers: MedGen CN230736.

Allele frequency attached by ClinVar (database versions not stated): gnomAD exomes below 0.00001.
gnomAD v4.1: 1 of 1,608,554 alleles (0.000062%); highest among the groups gnomAD compares: Non-Finnish European, 0.000085%; no homozygotes.

Submissions (2):

Labcorp Genetics (formerly Invitae), Labcorp
Classification: Uncertain significance. Last evaluated: 2025-10-27. Review status: criteria provided, single submitter. Criteria: Invitae Variant Classification Sherloc (09022015). Collection method: clinical testing. Allele origin: germline.
Comment: This sequence change replaces threonine, which is neutral and polar, with isoleucine, which is neutral and non-polar, at codon 764 of the ALPK3 protein (p.Thr764Ile). This variant is not present in population databases (gnomAD no frequency). This variant has not been reported in the literature in individuals affected with ALPK3-related conditions. ClinVar contains an entry for this variant (Variation ID: 1483705). Invitae Evidence Modeling of protein sequence and biophysical properties (such as structural, functional, and spatial information, amino acid conservation, physicochemical variation, residue mobility, and thermodynamic stability) indicates that this missense variant is not expected to disrupt ALPK3 protein function with a negative predictive value of 80%. In summary, the available evidence is currently insufficient to determine the role of this variant in disease. Therefore, it has been classified as a Variant of Uncertain Significance.

Ambry Genetics
Classification: Uncertain significance for Cardiovascular phenotype. Last evaluated: 2023-02-23. Review status: criteria provided, single submitter. Criteria: Ambry Variant Classification Scheme 2023. Collection method: clinical testing. Allele origin: germline.
Comment: The p.T764I variant (also known as c.2291C>T), located in coding exon 6 of the ALPK3 gene, results from a C to T substitution at nucleotide position 2291. The threonine at codon 764 is replaced by isoleucine, an amino acid with similar properties. This amino acid position is conserved. In addition, this alteration is predicted to be tolerated by in silico analysis. Since supporting evidence is limited at this time, the clinical significance of this alteration remains unclear.

NM_020778.5(ALPK3):c.1685C>T (p.Thr562Ile)

Gene: ALPK3 (alpha kinase 3; plus strand). Cytogenetic location: 15q25.3.
Variant type: single nucleotide variant.
Coding change: c.1685C>T on transcript NM_020778.5 (MANE Select); coding-DNA position 1685, C replaced by T.
Protein change: p.Thr562Ile; replaces threonine 562 with isoleucine.
Molecular consequence: missense variant.
Genome position (GRCh38, 1-based): chr15:84,856,423, C>T. VCF-style: chr15-84856423-C-T. GRCh37 (hg19) VCF-style: chr15-85399654-C-T.
Other names: c.2291C>T (NM_020778.4); short protein forms T562I.
Identifiers: ClinVar variation 1483705 (VCV001483705.7), dbSNP rs772032580, ClinGen allele CA393354232.
Genomic context (GRCh38, chr15:84,856,423, plus strand): 5'-AATCCTTGCTTTTGTCCCTCTGTTTTCAGGTCCTGGAATGCCAGACAACCACGGCTCCTA[C>T]CATGTCGGCCAGCAGCAGCTCTGATGTAGCCTCCATTGGGGTTAGCACTTCCGGAAGTCA-3'
Protein context (NP_065829.4, residues 552-572): VLECQTTTAP[Thr562Ile]MSASSSSDVA